The following is an entry in ClinVar:

NM_005359.6(SMAD4):c.668-15T>G

Gene: SMAD4 (SMAD family member 4; plus strand). Cytogenetic location: 18q21.2.
Variant type: single nucleotide variant.
Coding change: c.668-15T>G on transcript NM_005359.6 (MANE Select); 15 bases into the intron before coding-DNA position 668, T replaced by G.
Molecular consequence: intron variant.
Genome position (GRCh38, 1-based): chr18:51,058,110, T>G. VCF-style: chr18-51058110-T-G. GRCh37 (hg19) VCF-style: chr18-48584480-T-G.
Identifiers: ClinVar variation 1454852 (VCV001454852.9), dbSNP rs1378869804, ClinGen allele CA629926571.

ClinVar aggregate classification (germline): Conflicting classifications of pathogenicity. Review status: criteria provided, conflicting classifications (1 of 4 stars). 2 submissions from 2 submitters: Uncertain significance (1); Likely benign (1). Last evaluated 2025-11-02.

Conditions:
Juvenile polyposis syndrome (JPS). Identifiers: Orphanet 2929, MedGen C0345893, MONDO:0017380, OMIM 174900.
Hereditary cancer-predisposing syndrome. Also called: Hereditary Cancer Syndrome; Hereditary neoplastic syndrome; Tumor predisposition; Neoplastic Syndromes, Hereditary. Identifiers: Orphanet 140162, MedGen C0027672, MeSH D009386, MONDO:0015356.

Allele frequency attached by ClinVar (database versions not stated): gnomAD exomes below 0.00001; gnomAD 0.00001.
gnomAD v4.1: 4 of 1,610,892 alleles (0.00025%); highest among the groups gnomAD compares: Non-Finnish European, 0.00034%; no homozygotes.

Submissions (2):

Labcorp Genetics (formerly Invitae), Labcorp
Classification: Likely benign for Juvenile polyposis syndrome. Last evaluated: 2025-11-02. Review status: criteria provided, single submitter. Criteria: Invitae Variant Classification Sherloc (09022015). Collection method: clinical testing. Allele origin: germline.

Color Diagnostics, LLC DBA Color Health
Classification: Uncertain significance for Hereditary cancer-predisposing syndrome. Last evaluated: 2023-03-20. Review status: criteria provided, single submitter. Criteria: ACMG Guidelines, 2015. Collection method: clinical testing. Allele origin: germline.
Comment: This variant causes a T to G nucleotide substitution at the -15 position of intron 5 of the SMAD4 gene. To our knowledge, functional studies have not been reported for this variant. This variant has not been reported in individuals affected with SMAD4-related disorders in the literature. This variant has been identified in 1/31304 chromosomes in the general population by the Genome Aggregation Database (gnomAD). The available evidence is insufficient to determine the role of this variant in disease conclusively. Therefore, this variant is classified as a Variant of Uncertain Significance.